The following is an entry in ClinVar:

ClinVar aggregate classification (germline): Uncertain significance (1 of 4 stars; one submission).

gnomAD v4.1: 1 of 1,613,944 alleles (0.000062%); no homozygotes.

Submission:

GeneDx
Classification: Uncertain significance. Last evaluated: 2022-08-22. Review status: criteria provided, single submitter. Criteria: GeneDx Variant Classification Process June 2021. Collection method: clinical testing. Allele origin: germline. Affected: yes.
Comment: Not observed at significant frequency in large population cohorts (gnomAD); Nonsense variant predicted to result in protein truncation or nonsense mediated decay in a gene or region of a gene for which loss of function is not a well-established mechanism of disease; Has not been previously published as pathogenic or benign to our knowledge

NM_007192.4(SUPT16H):c.1705C>T (p.Arg569Ter)

Gene: SUPT16H (SPT16 homolog, facilitates chromatin remodeling subunit; minus strand). Cytogenetic location: 14q11.2.
Variant type: single nucleotide variant.
Coding change: c.1705C>T on transcript NM_007192.4 (MANE Select); coding-DNA position 1705, C replaced by T.
Protein change: p.Arg569Ter; replaces arginine 569 with a stop codon.
Molecular consequence: nonsense.
Genome position (GRCh38, 1-based): chr14:21,362,285, G>A on the plus strand (C>T on the coding strand, the complement: SUPT16H is on the minus strand). VCF-style: chr14-21362285-G-A. GRCh37 (hg19) VCF-style: chr14-21830444-G-A.
Other names: short protein forms R569*.
Identifiers: ClinVar variation 2430564 (VCV002430564.1), dbSNP rs143235888, ClinGen allele CA388865275.